The following is an entry in ClinVar:

NM_001330078.2(NRXN1):c.1528A>G (p.Thr510Ala)

Gene: NRXN1 (neurexin 1; minus strand). Cytogenetic location: 2p16.3.
Variant type: single nucleotide variant.
Coding change: c.1528A>G on transcript NM_001330078.2 (MANE Select); coding-DNA position 1528, A replaced by G.
Protein change: p.Thr510Ala; replaces threonine 510 with alanine.
Molecular consequence: missense variant.
Genome position (GRCh38, 1-based): chr2:50,552,818, T>C on the plus strand (A>G on the coding strand, the complement: NRXN1 is on the minus strand). VCF-style: chr2-50552818-T-C. GRCh37 (hg19) VCF-style: chr2-50779956-T-C.
Other names: c.1648A>G, p.Thr550Ala (NM_001135659.3); c.1504A>G, p.Thr502Ala (NM_001330077.2, NM_001330082.2, NM_001330095.2); c.1489A>G, p.Thr497Ala (NM_001330083.2, NM_001330084.2); c.1528A>G, p.Thr510Ala (NM_001330085.2, NM_001330086.2, NM_004801.6); c.1444A>G, p.Thr482Ala (NM_001330087.2, NM_001330096.2); c.1474A>G, p.Thr492Ala (NM_001330088.2); c.1525A>G, p.Thr509Ala (NM_001330093.2); c.1516A>G, p.Thr506Ala (NM_001330094.2); short protein forms T497A, T492A, T506A, T510A, T502A, T509A, T550A, T482A.
Identifiers: ClinVar variation 1777182 (VCV001777182.2), dbSNP rs2465828106, ClinGen allele CA346773620.
Genomic context (GRCh38, chr2:50,552,818, plus strand): 5'-CATCTTTCTGATGTCTTGGCTTGCCATGGCTAAATAAGATGAGGCCATTTGGCTCTGTTG[T>C]ACGGAAATCAAATGATATGGAGCCAGTTTTCTTTGCATTCCATTTAGGCAAAGAGATGAA-3'
Protein context (NP_001317007.1, residues 500-520): KTGSISFDFR[Thr510Ala]TEPNGLILFS

ClinVar aggregate classification (germline): Uncertain significance (1 of 4 stars; one submission).

Conditions:
Inborn genetic diseases. Identifiers: MedGen C0950123, MeSH D030342.

Submission:

Ambry Genetics
Classification: Uncertain significance for Inborn genetic diseases. Last evaluated: 2018-03-22. Review status: criteria provided, single submitter. Criteria: Ambry Variant Classification Scheme 2023. Collection method: clinical testing. Allele origin: germline.
Comment: The p.T550A variant (also known as c.1648A>G), located in coding exon 9 of the NRXN1 gene, results from an A to G substitution at nucleotide position 1648. The threonine at codon 550 is replaced by alanine, an amino acid with similar properties. This amino acid position is highly conserved in available vertebrate species. In addition, this alteration is predicted to be deleterious by in silico analysis. Since supporting evidence is limited at this time, the clinical significance of this alteration remains unclear.